The following is an entry in ClinVar:

ClinVar aggregate classification (germline): Uncertain significance (1 of 4 stars; one submission).

Conditions:
Inborn genetic diseases. Identifiers: MedGen C0950123, MeSH D030342.

Allele frequency attached by ClinVar (database versions not stated): ESP Exome Variant Server 0.00015.
gnomAD v4.1: 7 of 1,613,860 alleles (0.00043%); highest among the groups gnomAD compares: African/African-American, 0.008%; no homozygotes.

Submission:

Ambry Genetics
Classification: Uncertain significance for Inborn genetic diseases. Last evaluated: 2018-08-28. Review status: criteria provided, single submitter. Criteria: Ambry Variant Classification Scheme 2023. Collection method: clinical testing. Allele origin: germline.
Comment: The p.D378G variant (also known as c.1133A>G), located in coding exon 4 of the LINS gene, results from an A to G substitution at nucleotide position 1133. The aspartic acid at codon 378 is replaced by glycine, an amino acid with similar properties. This amino acid position is highly conserved in available vertebrate species. In addition, this alteration is predicted to be deleterious by in silico analysis. Since supporting evidence is limited at this time, the clinical significance of this alteration remains unclear.

NM_001040616.3(LINS1):c.1133A>G (p.Asp378Gly)

Gene: LINS1 (lines homolog 1; minus strand). Cytogenetic location: 15q26.3.
Variant type: single nucleotide variant.
Coding change: c.1133A>G on transcript NM_001040616.3 (MANE Select); coding-DNA position 1133, A replaced by G.
Protein change: p.Asp378Gly; replaces aspartic acid 378 with glycine.
Molecular consequence: missense variant. On other transcripts: non-coding transcript variant (3).
Genome position (GRCh38, 1-based): chr15:100,573,740, T>C on the plus strand (A>G on the coding strand, the complement: LINS1 is on the minus strand). VCF-style: chr15-100573740-T-C. GRCh37 (hg19) VCF-style: chr15-101113945-T-C.
Other names: c.386A>G, p.Asp129Gly (NM_001352507.2); c.1088A>G, p.Asp363Gly (NM_001352508.2); short protein forms D129G, D363G, D378G.
Identifiers: ClinVar variation 1800317 (VCV001800317.2), dbSNP rs143212181, ClinGen allele CA7759528.